The following is an entry in ClinVar:

ClinVar aggregate classification (germline): Likely benign. Review status: criteria provided, multiple submitters, no conflicts (2 of 4 stars). 4 submissions from 4 submitters: Likely benign (4). Last evaluated 2025-11-05.

Conditions:
PRX-related disorder. Also called: PRX-Related Disorders; PRX-related condition.
Inborn genetic diseases. Identifiers: MedGen C0950123, MeSH D030342.
Charcot-Marie-Tooth disease type 4. Also called: Charcot-Marie-Tooth disease, type IV; Charcot-Marie-Tooth, Type 4. Identifiers: Orphanet 64749, MedGen C4082197, MONDO:0018995.

Allele frequency attached by ClinVar (database versions not stated): ExAC 0.00001; gnomAD 0.00001; gnomAD exomes 0.00001 and 0.00002; TOPMed 0.00003.
gnomAD v4.1: 29 of 1,613,872 alleles (0.0018%); highest among the groups gnomAD compares: East Asian, 0.0045%; no homozygotes.

Submissions (4):

PreventionGenetics, part of Exact Sciences
Classification: Likely benign for PRX-related condition. Last evaluated: 2025-11-05. Review status: criteria provided, single submitter. Criteria: ACMG Guidelines, 2015. Collection method: clinical testing. Allele origin: germline.
Comment: This variant is classified as likely benign based on ACMG/AMP sequence variant interpretation guidelines (Richards et al. 2015 PMID: 25741868, with internal and published modifications).

Labcorp Genetics (formerly Invitae), Labcorp
Classification: Likely benign for Charcot-Marie-Tooth disease type 4. Last evaluated: 2024-09-19. Review status: criteria provided, single submitter. Criteria: Invitae Variant Classification Sherloc (09022015). Collection method: clinical testing. Allele origin: germline.

Ambry Genetics
Classification: Likely benign for Inborn genetic diseases. Last evaluated: 2019-07-11. Review status: criteria provided, single submitter. Criteria: Ambry Variant Classification Scheme 2023. Collection method: clinical testing. Allele origin: germline.

GeneDx
Classification: Likely benign. Last evaluated: 2017-06-27. Review status: criteria provided, single submitter. Criteria: GeneDx Variant Classification (06012015). Collection method: clinical testing. Allele origin: germline. Affected: yes.
Comment: This variant is considered likely benign or benign based on one or more of the following criteria: it is a conservative change, it occurs at a poorly conserved position in the protein, it is predicted to be benign by multiple in silico algorithms, and/or has population frequency not consistent with disease.

NM_181882.3(PRX):c.2619C>T (p.Ala873=)

Gene: PRX (periaxin; minus strand). Cytogenetic location: 19q13.2.
Variant type: single nucleotide variant.
Coding change: c.2619C>T on transcript NM_181882.3 (MANE Select); coding-DNA position 2619, C replaced by T.
Protein change: p.Ala873=; no amino-acid change (alanine 873 retained).
Molecular consequence: synonymous variant. On other transcripts: 3 prime UTR variant (1).
Genome position (GRCh38, 1-based): chr19:40,395,733, G>A on the plus strand (C>T on the coding strand, the complement: PRX is on the minus strand). VCF-style: chr19-40395733-G-A. GRCh37 (hg19) VCF-style: chr19-40901640-G-A.
Other names: c.*2824C>T (NM_020956.2).
Identifiers: ClinVar variation 416227 (VCV000416227.13), dbSNP rs761066015, ClinGen allele CA9444016.